The following is an entry in ClinVar:

NM_000016.6(ACADM):c.678A>G (p.Ala226=)

Gene: ACADM (acyl-CoA dehydrogenase medium chain; plus strand). Cytogenetic location: 1p31.1.
Variant type: single nucleotide variant.
Coding change: c.678A>G on transcript NM_000016.6 (MANE Select); coding-DNA position 678, A replaced by G.
Protein change: p.Ala226=; no amino-acid change (alanine 226 retained).
Molecular consequence: synonymous variant.
Genome position (GRCh38, 1-based): chr1:75,745,884, A>G. VCF-style: chr1-75745884-A-G. GRCh37 (hg19) VCF-style: chr1-76211569-A-G.
Other names: p.Ala226=; c.690A>G, p.Ala230= (NM_001127328.3); c.570A>G, p.Ala190= (NM_001286042.2); c.777A>G, p.Ala259= (NM_001286043.2); c.111A>G, p.Ala37= (NM_001286044.2).
Identifiers: ClinVar variation 226082 (VCV000226082.31), dbSNP rs2229249, ClinGen allele CA913173.
Genomic context (GRCh38, chr1:75,745,884, plus strand): 5'-TTCTGATCCAGATCCTAAAGCTCCTGCTAATAAAGCCTTTACTGGATTCATTGTGGAAGC[A>G]GATACCCCAGGAATTCAGATTGGGAGAAAGGTAAAGTATTTATTAATGATTAGGGCCCCA-3'
Protein context (NP_000007.1, residues 216-236): NKAFTGFIVE[Ala226=]DTPGIQIGRK

ClinVar aggregate classification (germline): Benign/Likely benign. Review status: criteria provided, multiple submitters, no conflicts (2 of 4 stars). 11 submissions from 11 submitters: Benign (5); Likely benign (4). 2 of the submissions do not count toward it. Last evaluated 2026-02-04.

Conditions:
ACADM-related disorder. Also called: ACADM-related condition.
Inborn genetic diseases. Identifiers: MedGen C0950123, MeSH D030342.
Medium-chain acyl-coenzyme A dehydrogenase deficiency (ACADMD). Also called: MCAD Deficiency; ACADM DEFICIENCY; MCADD; Medium chain acyl-CoA dehydrogenase deficiency; CARNITINE DEFICIENCY SECONDARY TO MEDIUM-CHAIN ACYL-CoA DEHYDROGENASE DEFICIENCY; MCADH DEFICIENCY. Identifiers: Orphanet 42, MedGen C0220710, MONDO:0008721, OMIM 201450.

Allele frequency attached by ClinVar (database versions not stated): ESP Exome Variant Server 0.00023; gnomAD exomes 0.00087 and 0.00423; gnomAD 0.00108 and 0.00120; TOPMed 0.00248; ExAC 0.00309; 1000 Genomes Project 0.00379; 1000 Genomes Project 30x 0.00500.
gnomAD v4.1: 1,433 of 1,613,438 alleles (0.089%); highest among the groups gnomAD compares: Admixed American, 2.3%; 28 homozygotes.

Submissions (11):

Labcorp Genetics (formerly Invitae), Labcorp
Classification: Benign for Medium-chain acyl-coenzyme A dehydrogenase deficiency. Last evaluated: 2026-02-04. Review status: criteria provided, single submitter. Criteria: Invitae Variant Classification Sherloc (09022015). Collection method: clinical testing. Allele origin: germline.

Mayo Clinic Laboratories, Mayo Clinic
Classification: Benign. Last evaluated: 2024-11-08. Review status: criteria provided, single submitter. Criteria: ACMG Guidelines, 2015. Collection method: clinical testing. Allele origin: germline. Observed: 2 variant alleles.

Ambry Genetics
Classification: Likely benign for Inborn genetic diseases. Last evaluated: 2022-02-17. Review status: criteria provided, single submitter. Criteria: Ambry Variant Classification Scheme 2023. Collection method: clinical testing. Allele origin: germline.

Quest Diagnostics Nichols Institute San Juan Capistrano
Classification: Likely benign. Last evaluated: 2018-01-18. Review status: criteria provided, single submitter. Criteria: Quest Diagnostics criteria. Collection method: clinical testing. Allele origin: germline.

Illumina Laboratory Services, Illumina
Classification: Likely benign for Medium-chain acyl-coenzyme A dehydrogenase deficiency. Last evaluated: 2018-01-13. Review status: criteria provided, single submitter. Criteria: ICSL Variant Classification Criteria 13 December 2019. Collection method: clinical testing. Allele origin: germline.
Comment: This variant was observed in the ICSL laboratory as part of a predisposition screen in an ostensibly healthy population. It had not been previously curated by ICSL or reported in the Human Gene Mutation Database (HGMD: prior to June 1st, 2018), and was therefore a candidate for classification through an automated scoring system. Utilizing variant allele frequency, disease prevalence and penetrance estimates, and inheritance mode, an automated score was calculated to assess if this variant is too frequent to cause the disease. Based on the score and internal cut-off values, a variant classified as likely benign is not then subjected to further curation. The score for this variant resulted in a classification of likely benign for this disease.

Women's Health and Genetics/Laboratory Corporation of America, LabCorp
Classification: Benign. Last evaluated: 2017-10-04. Review status: criteria provided, single submitter. Criteria: LabCorp Variant Classification Summary - May 2015. Collection method: clinical testing. Allele origin: germline.
Comment: Variant summary: The ACADM c.678A>G (p.Ala226Ala) variant involves the alteration of a non-conserved nucleotide causing a synoymous change and 4/5 splice prediction tools predict no significant impact on normal splicing. ESE finder predicts that this variant may alter ESE binding. However, these predictions have yet to be confirmed by functional studies. This variant was found in 1061/277140 control chromosomes, predominantly observed in the Latino subpopulation at a frequency of 0.029955 (1031/34418, 21 homozygotes). This frequency is about 6 times the estimated maximal expected allele frequency of a pathogenic ACADM variant (0.0054233), suggesting this is likely a benign polymorphism found primarily in the populations of Latino origin. In addition, multiple clinical diagnostic laboratories classified this variant as benign. The variant of interest has not, to our knowledge, been reported in affected individuals via publication. Taken together, this variant is classified as "benign."

GeneDx
Classification: Benign. Last evaluated: 2015-07-20. Review status: criteria provided, single submitter. Criteria: GeneDx Variant Classification (06012015). Collection method: clinical testing. Allele origin: germline. Affected: yes.
Comment: This variant is considered likely benign or benign based on one or more of the following criteria: it is a conservative change, it occurs at a poorly conserved position in the protein, it is predicted to be benign by multiple in silico algorithms, and/or has population frequency not consistent with disease.

ARUP Laboratories, Molecular Genetics and Genomics, ARUP Laboratories
Classification: Benign for Medium-chain acyl-coenzyme A dehydrogenase deficiency. Last evaluated: 2015-02-20. Review status: criteria provided, single submitter. Criteria: ACMG Guidelines, 2015. Collection method: clinical testing. Allele origin: germline. Inheritance: Autosomal recessive inheritance. Observed: 1 heterozygote.

Breakthrough Genomics
Classification: Likely benign. Review status: criteria provided, single submitter. Criteria: ACMG Guidelines, 2015. Collection method: not provided. Allele origin: germline. Inheritance: Autosomal recessive inheritance. Affected: yes.

PreventionGenetics, part of Exact Sciences
Classification: Benign for ACADM-related condition. Last evaluated: 2020-04-17. Review status: no assertion criteria provided. Collection method: clinical testing. Allele origin: germline. Not counted in ClinVar's aggregate classification.
Comment: This variant is classified as benign based on ACMG/AMP sequence variant interpretation guidelines (Richards et al. 2015 PMID: 25741868, with internal and published modifications).

Natera, Inc.
Classification: Benign for Medium Chain Acyl-CoA Dehydrogenase Deficiency. Last evaluated: 2017-05-23. Review status: no assertion criteria provided. Collection method: clinical testing. Allele origin: germline. Not counted in ClinVar's aggregate classification.